The following is an entry in ClinVar:

ClinVar aggregate classification (germline): Conflicting classifications of pathogenicity. Review status: criteria provided, conflicting classifications (1 of 4 stars). 2 submissions from 2 submitters: Uncertain significance (1); Likely benign (1). Last evaluated 2025-03-13.

Conditions:
Dilated cardiomyopathy 1G (CMD1G). Identifiers: Orphanet 154, MedGen C1858763, MONDO:0011400, OMIM 604145.
Autosomal recessive limb-girdle muscular dystrophy type 2J (LGMDR10). Also called: Limb-girdle muscular dystrophy, type 2J; MUSCULAR DYSTROPHY, LIMB-GIRDLE, AUTOSOMAL RECESSIVE 10. Identifiers: Orphanet 140922, MedGen C1837342, MONDO:0012127, OMIM 608807.

gnomAD v4.1: 5 of 1,601,268 alleles (0.00031%); highest among the groups gnomAD compares: Non-Finnish European, 0.00043%; no homozygotes.

Submissions (2):

Labcorp Genetics (formerly Invitae), Labcorp
Classification: Uncertain significance for Dilated cardiomyopathy 1G; Autosomal recessive limb-girdle muscular dystrophy type 2J. Last evaluated: 2025-03-13. Review status: criteria provided, single submitter. Criteria: Invitae Variant Classification Sherloc (09022015). Collection method: clinical testing. Allele origin: germline.
Comment: This sequence change replaces valine, which is neutral and non-polar, with leucine, which is neutral and non-polar, at codon 11770 of the TTN protein (p.Val11770Leu). This variant also falls at the last nucleotide of exon 156, which is part of the consensus splice site for this exon. This variant is present in population databases (rs548964552, gnomAD 0.0009%). This variant has not been reported in the literature in individuals affected with TTN-related conditions. Experimental studies and prediction algorithms are not available or were not evaluated, and the functional significance of this variant is currently unknown. Variants that disrupt the consensus splice site are a relatively common cause of aberrant splicing (PMID: 17576681, 9536098). Algorithms developed to predict the effect of sequence changes on RNA splicing suggest that this variant may disrupt the consensus splice site. This variant is located in the I band of TTN (PMID: 25589632). Non-truncating variants in this region may be clinically relevant, but have not been definitively shown to cause cardiomyopathy or neuromuscular disease (PMID: 27493940, 32778822). In summary, the available evidence is currently insufficient to determine the role of this variant in disease. Therefore, it has been classified as a Variant of Uncertain Significance.

Blueprint Genetics
Classification: Likely benign. Last evaluated: 2021-06-23. Review status: criteria provided, single submitter. Criteria: ACMG Guidelines, 2015. Collection method: clinical testing. Allele origin: germline.

Literature cited by the submitters: PubMed 17576681 (cited by Labcorp Genetics (formerly Invitae), Labcorp); PubMed 9536098 (cited by Labcorp Genetics (formerly Invitae), Labcorp); PubMed 25589632 (cited by Labcorp Genetics (formerly Invitae), Labcorp); PubMed 27493940 (cited by Labcorp Genetics (formerly Invitae), Labcorp); PubMed 32778822 (cited by Labcorp Genetics (formerly Invitae), Labcorp).

NM_001267550.2(TTN):c.35308G>C (p.Val11770Leu)

Gene: TTN (titin; minus strand). Cytogenetic location: 2q31.2.
Variant type: single nucleotide variant.
Coding change: c.35308G>C on transcript NM_001267550.2 (MANE Select); coding-DNA position 35308, G replaced by C.
Protein change: p.Val11770Leu; replaces valine 11770 with leucine.
Molecular consequence: missense variant. On other transcripts: intron variant (3).
Genome position (GRCh38, 1-based): chr2:178,671,090, C>G on the plus strand (G>C on the coding strand, the complement: TTN is on the minus strand). VCF-style: chr2-178671090-C-G. GRCh37 (hg19) VCF-style: chr2-179535817-C-G.
Other names: c.34186G>C, p.Val11396Leu (NM_001256850.1); c.31405G>C, p.Val10469Leu (NM_133378.4); c.13283-28773G>C (NM_003319.4); c.13859-28773G>C (NM_133437.4); c.13658-28773G>C (NM_133432.3); short protein forms V11770L, V10469L, V11396L.
Identifiers: ClinVar variation 4790632 (VCV004790632.2).